The following is an entry in ClinVar:

NM_000092.5(COL4A4):c.3996G>A (p.Pro1332=)

Gene: COL4A4 (collagen type IV alpha 4 chain; minus strand). Cytogenetic location: 2q36.3.
Variant type: single nucleotide variant.
Coding change: c.3996G>A on transcript NM_000092.5 (MANE Select); coding-DNA position 3996, G replaced by A.
Protein change: p.Pro1332=; no amino-acid change (proline 1332 retained).
Molecular consequence: synonymous variant.
Genome position (GRCh38, 1-based): chr2:227,027,987, C>T on the plus strand (G>A on the coding strand, the complement: COL4A4 is on the minus strand). VCF-style: chr2-227027987-C-T. GRCh37 (hg19) VCF-style: chr2-227892703-C-T.
Other names: c.3996G>A (NM_000092.4).
Identifiers: ClinVar variation 1084167 (VCV001084167.10), dbSNP rs1051737695, ClinGen allele CA66557727.

ClinVar aggregate classification (germline): Likely benign. Review status: criteria provided, single submitter (1 of 4 stars). 2 submissions from 2 submitters: Likely benign (1). 1 of the submissions does not count toward it. Last evaluated 2025-12-24.

Conditions:
COL4A4-related disorder.

Allele frequency attached by ClinVar (database versions not stated): gnomAD exomes below 0.00001; gnomAD 0.00003.
gnomAD v4.1: 10 of 1,611,756 alleles (0.00062%); highest among the groups gnomAD compares: African/African-American, 0.0053%; no homozygotes.

Submissions (2):

Labcorp Genetics (formerly Invitae), Labcorp
Classification: Likely benign. Last evaluated: 2025-12-24. Review status: criteria provided, single submitter. Criteria: Invitae Variant Classification Sherloc (09022015). Collection method: clinical testing. Allele origin: germline.

PreventionGenetics, part of Exact Sciences
Classification: Likely benign for COL4A4-related condition. Last evaluated: 2024-08-09. Review status: no assertion criteria provided. Collection method: clinical testing. Allele origin: germline. Not counted in ClinVar's aggregate classification.
Comment: This variant is classified as likely benign based on ACMG/AMP sequence variant interpretation guidelines (Richards et al. 2015 PMID: 25741868, with internal and published modifications).